The following is an entry in ClinVar:

NM_020366.4(RPGRIP1):c.172_173del (p.Met58fs)

Gene: RPGRIP1 (RPGR interacting protein 1; plus strand). Cytogenetic location: 14q11.2.
Variant type: Deletion.
Coding change: c.172_173del on transcript NM_020366.4 (MANE Select); coding-DNA positions 172 to 173, 2 bases deleted (AT; older notation c.172_173delAT).
Protein change: p.Met58fs; shifts the reading frame from methionine 58.
Molecular consequence: frameshift variant.
Genome position (GRCh38, 1-based): chr14:21,294,763-21,294,764, AT deleted. VCF-style (leftmost placement, unchanged base first): chr14-21294762-CAT-C. GRCh37 (hg19) VCF-style: chr14-21762921-CAT-C.
Other names: short protein forms M58fs.
Identifiers: ClinVar variation 2941811 (VCV002941811.3), dbSNP rs2502690278, ClinGen allele CA2624067820.
Genomic context (GRCh38, chr14:21,294,762, plus strand): 5'-CTTGAGCAGGATGAACCGGGAGGAATTGGAGGACAGTTTCTTTCGACTTCGCGAAGATCA[CAT>C]GTTGGTGAAGGAGCTTTCTTGGAAGCAACAGGATGAGATCAAAAGGTACTTAGAGTTCTC-3'

ClinVar aggregate classification (germline): Pathogenic (1 of 4 stars; one submission).

Conditions:
Cone-rod dystrophy 13 (CORD13). Identifiers: Orphanet 1872, MedGen C2750720, MONDO:0011987, OMIM 608194.
Leber congenital amaurosis 6 (LCA6). Identifiers: Orphanet 65, MedGen C1854260, MONDO:0013446, OMIM 613826.

Allele frequency attached by ClinVar (database versions not stated): gnomAD exomes below 0.00001.

Submission:

Labcorp Genetics (formerly Invitae), Labcorp
Classification: Pathogenic for Leber congenital amaurosis 6; Cone-rod dystrophy 13. Last evaluated: 2022-11-24. Review status: criteria provided, single submitter. Criteria: Invitae Variant Classification Sherloc (09022015). Collection method: clinical testing. Allele origin: germline.
Comment: This sequence change creates a premature translational stop signal (p.Met58Valfs*12) in the RPGRIP1 gene. It is expected to result in an absent or disrupted protein product. Loss-of-function variants in RPGRIP1 are known to be pathogenic (PMID: 11528500, 23105016). This variant is not present in population databases (gnomAD no frequency). This variant has not been reported in the literature in individuals affected with RPGRIP1-related conditions. For these reasons, this variant has been classified as Pathogenic.

Literature cited by the submitters: PubMed 11528500; PubMed 23105016.